The following is an entry in ClinVar:

NM_017866.6(TMEM70):c.685C>A (p.Arg229Ser)

Gene: TMEM70 (transmembrane protein 70; plus strand). Cytogenetic location: 8q21.11.
Variant type: single nucleotide variant.
Coding change: c.685C>A on transcript NM_017866.6 (MANE Select); coding-DNA position 685, C replaced by A.
Protein change: p.Arg229Ser; replaces arginine 229 with serine.
Molecular consequence: missense variant. On other transcripts: 3 prime UTR variant (1), non-coding transcript variant (1).
Genome position (GRCh38, 1-based): chr8:73,981,523, C>A. VCF-style: chr8-73981523-C-A. GRCh37 (hg19) VCF-style: chr8-74893758-C-A.
Other names: c.*375C>A (NM_001040613.3); short protein forms R229S.
Identifiers: ClinVar variation 1449164 (VCV001449164.3), dbSNP rs367792607, ClinGen allele CA179294600.

ClinVar aggregate classification (germline): Uncertain significance (1 of 4 stars; one submission).

Conditions:
Mitochondrial complex V (ATP synthase) deficiency, nuclear type 2. Also called: Nuclear-Encoded ATPase Deficiency, TMEM70-Related; ENCEPHALOCARDIOMYOPATHY, MITOCHONDRIAL, NEONATAL, DUE TO ATP SYNTHASE DEFICIENCY; MITOCHONDRIAL COMPLEX V (ATP SYNTHASE) DEFICIENCY, TMEM70 TYPE. Identifiers: Orphanet 1194, MedGen C3279699, MONDO:0013546, OMIM 614052.

Allele frequency attached by ClinVar (database versions not stated): gnomAD 0.00001; TOPMed 0.00002; ESP Exome Variant Server 0.00008.
gnomAD v4.1: 7 of 1,613,582 alleles (0.00043%); highest among the groups gnomAD compares: African/African-American, 0.0053%; no homozygotes.

Submission:

Labcorp Genetics (formerly Invitae), Labcorp
Classification: Uncertain significance for Mitochondrial complex V (ATP synthase) deficiency, nuclear type 2. Last evaluated: 2022-05-07. Review status: criteria provided, single submitter. Criteria: Invitae Variant Classification Sherloc (09022015). Collection method: clinical testing. Allele origin: germline.
Comment: This sequence change replaces arginine, which is basic and polar, with serine, which is neutral and polar, at codon 229 of the TMEM70 protein (p.Arg229Ser). This variant is present in population databases (rs367792607, gnomAD 0.007%). This variant has not been reported in the literature in individuals affected with TMEM70-related conditions. Algorithms developed to predict the effect of missense changes on protein structure and function (SIFT, PolyPhen-2, Align-GVGD) all suggest that this variant is likely to be tolerated. Algorithms developed to predict the effect of sequence changes on RNA splicing suggest that this variant may create or strengthen a splice site. In summary, the available evidence is currently insufficient to determine the role of this variant in disease. Therefore, it has been classified as a Variant of Uncertain Significance.